The following is an entry in ClinVar:

ClinVar aggregate classification (germline): Uncertain significance (1 of 4 stars; one submission).

Conditions:
Hereditary cancer-predisposing syndrome. Also called: Neoplastic Syndromes, Hereditary; Tumor predisposition; Hereditary Cancer Syndrome; Hereditary neoplastic syndrome. Identifiers: Orphanet 140162, MedGen C0027672, MeSH D009386, MONDO:0015356.

Submission:

Ambry Genetics
Classification: Uncertain significance for Hereditary cancer-predisposing syndrome. Last evaluated: 2021-10-18. Review status: criteria provided, single submitter. Criteria: Ambry Variant Classification Scheme 2023. Collection method: clinical testing. Allele origin: germline.
Comment: The p.H152D variant (also known as c.454C>G), located in coding exon 5 of the MRE11A gene, results from a C to G substitution at nucleotide position 454. The histidine at codon 152 is replaced by aspartic acid, an amino acid with similar properties. This amino acid position is conserved. In addition, this alteration is predicted to be deleterious by in silico analysis. Since supporting evidence is limited at this time, the clinical significance of this alteration remains unclear.

NM_005591.4(MRE11):c.454C>G (p.His152Asp)

Gene: MRE11 (MRE11 double strand break repair nuclease; minus strand). Cytogenetic location: 11q21.
Variant type: single nucleotide variant.
Coding change: c.454C>G on transcript NM_005591.4 (MANE Select); coding-DNA position 454, C replaced by G.
Protein change: p.His152Asp; replaces histidine 152 with aspartic acid.
Molecular consequence: missense variant.
Genome position (GRCh38, 1-based): chr11:94,478,825, G>C on the plus strand (C>G on the coding strand, the complement: MRE11 is on the minus strand). VCF-style: chr11-94478825-G-C. GRCh37 (hg19) VCF-style: chr11-94211991-G-C.
Other names: c.454C>G, p.His152Asp (NM_001330347.2, NM_005590.4); short protein forms H152D.
Identifiers: ClinVar variation 1799791 (VCV001799791.2), dbSNP rs876659023, ClinGen allele CA382377606.